The following is an entry in ClinVar:

NM_152296.5(ATP1A3):c.1538T>A (p.Leu513Gln)

Gene: ATP1A3 (ATPase Na+/K+ transporting subunit alpha 3; minus strand). Cytogenetic location: 19q13.2.
Variant type: single nucleotide variant.
Coding change: c.1538T>A on transcript NM_152296.5 (MANE Select); coding-DNA position 1538, T replaced by A.
Protein change: p.Leu513Gln; replaces leucine 513 with glutamine.
Molecular consequence: missense variant.
Genome position (GRCh38, 1-based): chr19:41,978,698, A>T on the plus strand (T>A on the coding strand, the complement: ATP1A3 is on the minus strand). VCF-style: chr19-41978698-A-T. GRCh37 (hg19) VCF-style: chr19-42482850-A-T.
Other names: c.1571T>A, p.Leu524Gln (NM_001256213.2); c.1577T>A, p.Leu526Gln (NM_001256214.2); short protein forms L526Q, L513Q, L524Q.
Identifiers: ClinVar variation 1979401 (VCV001979401.4), dbSNP rs2514056551, ClinGen allele CA406046932.
Genomic context (GRCh38, chr19:41,978,698, plus strand): 5'-AGGTAGGCATTCTGGAAGGCCTCCTTCATTTCCTCGTCCAGAGGCTGCTCCTTGCCCTGT[A>T]GCAGGATGGTGGAGCAGCGGTCCAGGATGCGCTCGGGGGCACCCTTCATCACCAGCAGGT-3'
Protein context (NP_689509.1, residues 503-523): RILDRCSTIL[Leu513Gln]QGKEQPLDEE

ClinVar aggregate classification (germline): Uncertain significance (1 of 4 stars; one submission).

Conditions:
Dystonia 12 (DYT12). Also called: DYT-ATP1A3; Rapid-Onset Dystonia-Parkinsonism (RDP). Identifiers: Orphanet 71517, MedGen C1868681, MONDO:0007496, OMIM 128235.

Allele frequency attached by ClinVar (database versions not stated): gnomAD exomes below 0.00001.

Submission:

Labcorp Genetics (formerly Invitae), Labcorp
Classification: Uncertain significance for Dystonia 12. Last evaluated: 2022-02-22. Review status: criteria provided, single submitter. Criteria: Invitae Variant Classification Sherloc (09022015). Collection method: clinical testing. Allele origin: germline.
Comment: This sequence change replaces leucine, which is neutral and non-polar, with glutamine, which is neutral and polar, at codon 513 of the ATP1A3 protein (p.Leu513Gln). This variant is not present in population databases (gnomAD no frequency). This variant has not been reported in the literature in individuals affected with ATP1A3-related conditions. Advanced modeling of protein sequence and biophysical properties (such as structural, functional, and spatial information, amino acid conservation, physicochemical variation, residue mobility, and thermodynamic stability) performed at Invitae indicates that this missense variant is not expected to disrupt ATP1A3 protein function. In summary, the available evidence is currently insufficient to determine the role of this variant in disease. Therefore, it has been classified as a Variant of Uncertain Significance.